The following is an entry in ClinVar:

ClinVar aggregate classification (germline): Benign. Review status: reviewed by expert panel (3 of 4 stars). 10 submissions from 9 submitters: Benign (1). 9 of the submissions do not count toward it. Last evaluated 2017-04-18.

Conditions:
Cardiovascular phenotype. Identifiers: MedGen CN230736.
PTPN11-related disorder. Also called: PTPN11-Related Disorders.
Metachondromatosis (METCDS). Identifiers: Orphanet 2499, MedGen C0410530, MONDO:0007979, OMIM 156250.
Noonan syndrome 1 (NS1). Also called: TURNER PHENOTYPE WITH NORMAL KARYOTYPE; PTPN11-Related Noonan Syndrome; FEMALE PSEUDO-TURNER SYNDROME. Identifiers: Orphanet 648, MedGen C4551602, MONDO:0008104, OMIM 163950. Disease mechanism: gain of function.
Juvenile myelomonocytic leukemia (JMML). Also called: LEUKEMIA, JUVENILE MYELOMONOCYTIC, SOMATIC. Identifiers: Orphanet 86834, MedGen C0349639, MONDO:0011908, OMIM 607785, HP:0012209.
LEOPARD syndrome 1 (LPRD1). Also called: LENTIGINOSIS, CARDIOMYOPATHIC; MULTIPLE LENTIGINES SYNDROME; PTPN11-Related LEOPARD Syndrome. Identifiers: Orphanet 500, MedGen C4551484, MONDO:0100082, OMIM 151100.
RASopathy. Also called: rasopathies; Noonan spectrum disorder. Identifiers: Orphanet 536391, MedGen C5555857, MONDO:0021060.

Allele frequency attached by ClinVar (database versions not stated): gnomAD exomes 0.00003 and 0.00014; TOPMed 0.00005; gnomAD 0.00001; ESP Exome Variant Server 0.00008; ExAC 0.00013.
gnomAD v4.1: 46 of 1,613,744 alleles (0.0029%); highest among the groups gnomAD compares: Admixed American, 0.058%; no homozygotes.

Submissions (12):

ClinGen RASopathy Variant Curation Expert Panel
Classification: Benign for Noonan syndrome and Noonan-related syndrome. Last evaluated: 2017-04-18. Review status: reviewed by expert panel. Criteria: ClinGen RASopathy ACMG Specifications v1. Collection method: curation. Allele origin: germline. Inheritance: Autosomal dominant inheritance.
Comment: The filtering allele frequency of the c.1650G>A (p.Ala550=) variant in the PTPN11 gene is 0.067% (13/11548) of Latino chromosomes by the Exome Aggregation Consortium, which is a high enough frequency to be classified as benign based on thresholds defined by the ClinGen RASopathy Expert Panel (BA1; PMID:29493581)

Labcorp Genetics (formerly Invitae), Labcorp
Classification: Benign for RASopathy. Last evaluated: 2025-12-01. Review status: criteria provided, single submitter. Criteria: Invitae Variant Classification Sherloc (09022015). Collection method: clinical testing. Allele origin: germline. Not counted in ClinVar's aggregate classification.

Blueprint Genetics
Classification: Likely benign. Last evaluated: 2024-04-25. Review status: criteria provided, single submitter. Criteria: ACMG Guidelines, 2015. Collection method: clinical testing. Allele origin: germline. Not counted in ClinVar's aggregate classification.

Women's Health and Genetics/Laboratory Corporation of America, LabCorp
Classification: Benign. Last evaluated: 2022-09-24. Review status: criteria provided, single submitter. Criteria: LabCorp Variant Classification Summary - May 2015. Collection method: clinical testing. Allele origin: germline. Not counted in ClinVar's aggregate classification.

Fulgent Genetics
Classification: Likely benign for LEOPARD syndrome 1; Metachondromatosis; Noonan syndrome 1; Juvenile myelomonocytic leukemia. Last evaluated: 2021-11-12. Review status: criteria provided, single submitter. Criteria: ACMG Guidelines, 2015. Collection method: clinical testing. Allele origin: unknown. Not counted in ClinVar's aggregate classification.

Illumina Laboratory Services, Illumina
Classification: Benign for LEOPARD syndrome 1. Last evaluated: 2018-01-12. Review status: criteria provided, single submitter. Criteria: ICSL Variant Classification Criteria 13 December 2019. Collection method: clinical testing. Allele origin: germline. Not counted in ClinVar's aggregate classification.
Comment: This variant was observed in the ICSL laboratory as part of a predisposition screen in an ostensibly healthy population. It had not been previously curated by ICSL or reported in the Human Gene Mutation Database (HGMD: prior to June 1st, 2018), and was therefore a candidate for classification through an automated scoring system. Utilizing variant allele frequency, disease prevalence and penetrance estimates, and inheritance mode, an automated score was calculated to assess if this variant is too frequent to cause the disease. Based on the score and internal cut-off values, a variant classified as benign is not then subjected to further curation. The score for this variant resulted in a classification of benign for this disease.

Illumina Laboratory Services, Illumina
Classification: Benign for Metachondromatosis. Last evaluated: 2018-01-12. Review status: criteria provided, single submitter. Criteria: ICSL Variant Classification Criteria 13 December 2019. Collection method: clinical testing. Allele origin: germline. Not counted in ClinVar's aggregate classification.
Comment: the same text as in the submission from Illumina Laboratory Services, Illumina above.

Ambry Genetics
Classification: Likely benign for Cardiovascular phenotype. Last evaluated: 2016-04-08. Review status: criteria provided, single submitter. Criteria: Ambry Variant Classification Scheme 2023. Collection method: clinical testing. Allele origin: germline. Not counted in ClinVar's aggregate classification.

GeneDx
Classification: Benign. Last evaluated: 2014-02-01. Review status: criteria provided, single submitter. Criteria: GeneDx Variant Classification (06012015). Collection method: clinical testing. Allele origin: germline. Affected: yes. Not counted in ClinVar's aggregate classification.
Comment: This variant is considered likely benign or benign based on one or more of the following criteria: it is a conservative change, it occurs at a poorly conserved position in the protein, it is predicted to be benign by multiple in silico algorithms, and/or has population frequency not consistent with disease.

PreventionGenetics, part of Exact Sciences
Classification: Benign for PTPN11-related condition. Last evaluated: 2021-08-23. Review status: no assertion criteria provided. Collection method: clinical testing. Allele origin: germline. Not counted in ClinVar's aggregate classification.
Comment: This variant is classified as benign based on ACMG/AMP sequence variant interpretation guidelines (Richards et al. 2015 PMID: 25741868, with internal and published modifications).

Dr. Peter K. Rogan Lab, Western University
No classification provided (evidence only). Condition: Clear cell carcinoma of kidney. Review status: no classification provided. Collection method: in vitro. Allele origin: not applicable. Functional consequence: skipped exon. Not counted in ClinVar's aggregate classification.

Dr. Peter K. Rogan Lab, Western University
No classification provided (evidence only). Condition: Melanoma. Review status: no classification provided. Collection method: in vitro. Allele origin: not applicable. Functional consequence: skipped exon. Not counted in ClinVar's aggregate classification.

NM_002834.5(PTPN11):c.1650G>A (p.Ala550=)

Gene: PTPN11 (protein tyrosine phosphatase non-receptor type 11; plus strand). Cytogenetic location: 12q24.13.
Variant type: single nucleotide variant.
Coding change: c.1650G>A on transcript NM_002834.5 (MANE Select); coding-DNA position 1650, G replaced by A.
Protein change: p.Ala550=; no amino-acid change (alanine 550 retained).
Molecular consequence: synonymous variant.
Genome position (GRCh38, 1-based): chr12:112,502,194, G>A. VCF-style: chr12-112502194-G-A. GRCh37 (hg19) VCF-style: chr12-112939998-G-A.
Other names: p.A550A:GCG>GCA; NM_002834.4(PTPN11):c.1650G>A; c.1662G>A, p.Ala554= (NM_001330437.2); c.1647G>A, p.Ala549= (NM_001374625.1).
Identifiers: ClinVar variation 138843 (VCV000138843.26), dbSNP rs374896287, ClinGen allele CA292973.